The following is an entry in ClinVar:

NM_004562.3(PRKN):c.1083+1del

Gene: PRKN (parkin RBR E3 ubiquitin protein ligase; minus strand). Cytogenetic location: 6q26.
Variant type: Deletion.
Coding change: c.1083+1del on transcript NM_004562.3 (MANE Select); the canonical splice donor site of the intron after coding-DNA position 1083, one base deleted (G; older notation c.1083+1delG).
Molecular consequence: splice donor variant.
Genome position (GRCh38, 1-based): chr6:161,548,853, C deleted on the plus strand (G on the coding strand, the reverse complement: PRKN is on the minus strand); the first of 4 consecutive C bases (chr6:161,548,853-161,548,856); deleting any one gives the same sequence. VCF-style (leftmost placement, unchanged base first): chr6-161548852-AC-A. GRCh37 (hg19) VCF-style: chr6-161969884-AC-A.
Other names: c.636+1del (NM_013988.3); c.999+1del (NM_013987.3).
Identifiers: ClinVar variation 1687195 (VCV001687195.6), dbSNP rs2115426221, ClinGen allele CA2573140713.
Genomic context (GRCh38, chr6:161,548,852, plus strand): 5'-CCCATGTGCAAAAGCAAACAAGGACAGGAACACACCGCTCCAGGGGTGTGGGCAGTACTC[AC>A]CCCACAGCCCAGGCCATTGCCCCCTTCGCAGGTGACTTTCCTCTGGTCAGGCTCCGGCAG-3'

ClinVar aggregate classification (germline): Pathogenic. Review status: criteria provided, multiple submitters, no conflicts (2 of 4 stars). 2 submissions from 2 submitters: Pathogenic (2). Last evaluated 2025-05-19.

Conditions:
Autosomal recessive juvenile Parkinson disease 2. Also called: Parkinson disease, juvenile, type 2; PARKINSON DISEASE, JUVENILE, AUTOSOMAL RECESSIVE; PRKN-Related Early-Onset Parkinson Disease; Parkinson disease autosomal recessive, early onset; Juvenile parkinsonism; Parkinsonism, early onset, with diurnal fluctuation. Identifiers: Orphanet 2828, MedGen C1868675, MONDO:0010820, OMIM 600116.

Submissions (2):

Labcorp Genetics (formerly Invitae), Labcorp
Classification: Pathogenic. Last evaluated: 2025-05-19. Review status: criteria provided, single submitter. Criteria: Invitae Variant Classification Sherloc (09022015). Collection method: clinical testing. Allele origin: germline.
Comment: This sequence change creates a premature translational stop signal (p.Phe362Leufs*73) in the PRKN gene. It is expected to result in an absent or disrupted protein product. Loss-of-function variants in PRKN are known to be pathogenic (PMID: 10072423, 20301651, 22956510). This variant is not present in population databases (gnomAD no frequency). This premature translational stop signal has been observed in individual(s) with Parkinson disease (PMID: 19636047, 19922375). This variant is also known as IVS9 1083+1delG, IVS-9-1 deletion, c.1083+1del. ClinVar contains an entry for this variant (Variation ID: 1687195). Algorithms developed to predict the effect of sequence changes on RNA splicing suggest that this variant may disrupt the consensus splice site. For these reasons, this variant has been classified as Pathogenic.

3billion
Classification: Pathogenic for Autosomal recessive juvenile Parkinson disease 2. Last evaluated: 2022-05-22. Review status: criteria provided, single submitter. Criteria: ACMG Guidelines, 2015. Collection method: clinical testing. Allele origin: germline. Affected: yes. Observed: 1 homozygote.
Comment: Canonical splice site: predicted to alter splicing and result in a loss or disruption of normal protein function. Multiple pathogenic loss-of-function variants are reported downstream of the variant. It is not observed in the gnomAD v2.1.1 dataset. The variant has been reported to be associated with PRKN related disorder (PMID: 19636047). Therefore, this variant is classified as pathogenic according to the recommendation of ACMG/AMP guideline.

Literature cited by the submitters: PubMed 10072423 (cited by Labcorp Genetics (formerly Invitae), Labcorp); PubMed 20301651 (cited by Labcorp Genetics (formerly Invitae), Labcorp); PubMed 22956510 (cited by Labcorp Genetics (formerly Invitae), Labcorp); PubMed 19636047 (cited by Labcorp Genetics (formerly Invitae), Labcorp and 3billion); PubMed 19922375 (cited by Labcorp Genetics (formerly Invitae), Labcorp).